The following is an entry in ClinVar:

NM_020806.5(GPHN):c.1625A>G (p.Glu542Gly)

Gene: GPHN (gephyrin; plus strand). Cytogenetic location: 14q23.3.
Variant type: single nucleotide variant.
Coding change: c.1625A>G on transcript NM_020806.5 (MANE Select); coding-DNA position 1625, A replaced by G.
Protein change: p.Glu542Gly; replaces glutamic acid 542 with glycine.
Molecular consequence: missense variant.
Genome position (GRCh38, 1-based): chr14:67,113,170, A>G. VCF-style: chr14-67113170-A-G. GRCh37 (hg19) VCF-style: chr14-67579887-A-G.
Other names: c.1526A>G, p.Glu509Gly (NM_001024218.2); c.1685A>G, p.Glu562Gly (NM_001377514.1); c.1655A>G, p.Glu552Gly (NM_001377515.1); c.1646A>G, p.Glu549Gly (NM_001377516.1); c.1598A>G, p.Glu533Gly (NM_001377517.1); c.1583A>G, p.Glu528Gly (NM_001377518.1); c.1565A>G, p.Glu522Gly (NM_001377519.1); short protein forms E542G, E509G, E549G, E552G, E562G, E522G, E528G, E533G.
Identifiers: ClinVar variation 2120461 (VCV002120461.4), dbSNP rs2543403226, ClinGen allele CA390258961.

ClinVar aggregate classification (germline): Uncertain significance (1 of 4 stars; one submission).

Conditions:
Sulfite oxidase deficiency due to molybdenum cofactor deficiency type C. Also called: Molybdenum cofactor deficiency, complementation group C; Molybdenum cofactor deficiency C. Identifiers: Orphanet 308400, Orphanet 833, MedGen C1854990, MONDO:0014212, OMIM 615501.

Submission:

Labcorp Genetics (formerly Invitae), Labcorp
Classification: Uncertain significance for Sulfite oxidase deficiency due to molybdenum cofactor deficiency type C. Last evaluated: 2023-06-09. Review status: criteria provided, single submitter. Criteria: Invitae Variant Classification Sherloc (09022015). Collection method: clinical testing. Allele origin: germline.
Comment: This sequence change replaces glutamic acid, which is acidic and polar, with glycine, which is neutral and non-polar, at codon 542 of the GPHN protein (p.Glu542Gly). This variant is not present in population databases (gnomAD no frequency). This variant has not been reported in the literature in individuals affected with GPHN-related conditions. ClinVar contains an entry for this variant (Variation ID: 2120461). An algorithm developed to predict the effect of missense changes on protein structure and function (PolyPhen-2) suggests that this variant is likely to be disruptive. Algorithms developed to predict the effect of sequence changes on RNA splicing suggest that this variant may disrupt the consensus splice site. In summary, the available evidence is currently insufficient to determine the role of this variant in disease. Therefore, it has been classified as a Variant of Uncertain Significance.